The following is an entry in ClinVar:

NM_012203.2(GRHPR):c.323C>T (p.Thr108Ile)

Gene: GRHPR (glyoxylate and hydroxypyruvate reductase; plus strand). Cytogenetic location: 9p13.2.
Variant type: single nucleotide variant.
Coding change: c.323C>T on transcript NM_012203.2 (MANE Select); coding-DNA position 323, C replaced by T.
Protein change: p.Thr108Ile; replaces threonine 108 with isoleucine.
Molecular consequence: missense variant.
Genome position (GRCh38, 1-based): chr9:37,426,573, C>T. VCF-style: chr9-37426573-C-T. GRCh37 (hg19) VCF-style: chr9-37426570-C-T.
Other names: c.323C>T (NM_012203.1); short protein forms T108I.
Identifiers: ClinVar variation 1398899 (VCV001398899.6), dbSNP rs370530139, ClinGen allele CA5059004.

ClinVar aggregate classification (germline): Uncertain significance. Review status: criteria provided, multiple submitters, no conflicts (2 of 4 stars). 2 submissions from 2 submitters: Uncertain significance (2). Last evaluated 2026-03-01.

Conditions:
Nephrolithiasis/nephrocalcinosis. Identifiers: MedGen CN580796.

Allele frequency attached by ClinVar (database versions not stated): ExAC 0.00001; gnomAD exomes 0.00002; gnomAD 0.00005 and 0.00006; TOPMed 0.00006; ESP Exome Variant Server 0.00008.
gnomAD v4.1: 54 of 1,613,656 alleles (0.0033%); highest among the groups gnomAD compares: Non-Finnish European, 0.0044%; no homozygotes.

Submissions (2):

Ambry Genetics
Classification: Uncertain significance for Nephrolithiasis/nephrocalcinosis. Last evaluated: 2026-03-01. Review status: criteria provided, single submitter. Criteria: Ambry Variant Classification Scheme 2023. Collection method: clinical testing. Allele origin: germline.
Comment: The p.T108I variant (also known as c.323C>T), located in coding exon 4 of the GRHPR gene, results from a C to T substitution at nucleotide position 323. The threonine at codon 108 is replaced by isoleucine, an amino acid with similar properties. This amino acid position is conserved. In addition, this alteration is predicted to be deleterious by in silico analysis. Based on the available evidence, the clinical significance of this variant remains unclear.

Labcorp Genetics (formerly Invitae), Labcorp
Classification: Uncertain significance. Last evaluated: 2021-12-17. Review status: criteria provided, single submitter. Criteria: Invitae Variant Classification Sherloc (09022015). Collection method: clinical testing. Allele origin: germline.
Comment: This sequence change replaces threonine, which is neutral and polar, with isoleucine, which is neutral and non-polar, at codon 108 of the GRHPR protein (p.Thr108Ile). This variant is present in population databases (rs370530139, gnomAD 0.003%). This variant has not been reported in the literature in individuals affected with GRHPR-related conditions. Advanced modeling of protein sequence and biophysical properties (such as structural, functional, and spatial information, amino acid conservation, physicochemical variation, residue mobility, and thermodynamic stability) performed at Invitae indicates that this missense variant is expected to disrupt GRHPR protein function. In summary, the available evidence is currently insufficient to determine the role of this variant in disease. Therefore, it has been classified as a Variant of Uncertain Significance.